The following is an entry in ClinVar:

NM_133259.4(LRPPRC):c.651-15G>A

Gene: LRPPRC (leucine rich pentatricopeptide repeat containing; minus strand). Cytogenetic location: 2p21.
Variant type: single nucleotide variant.
Coding change: c.651-15G>A on transcript NM_133259.4 (MANE Select); 15 bases into the intron before coding-DNA position 651, G replaced by A.
Molecular consequence: intron variant.
Genome position (GRCh38, 1-based): chr2:43,976,244, C>T on the plus strand (G>A on the coding strand, the complement: LRPPRC is on the minus strand). VCF-style: chr2-43976244-C-T. GRCh37 (hg19) VCF-style: chr2-44203383-C-T.
Identifiers: ClinVar variation 385795 (VCV000385795.9), dbSNP rs375831894, ClinGen allele CA1639258.

ClinVar aggregate classification (germline): Benign/Likely benign. Review status: criteria provided, multiple submitters, no conflicts (2 of 4 stars). 2 submissions from 2 submitters: Benign (1); Likely benign (1). Last evaluated 2026-01-19.

Allele frequency attached by ClinVar (database versions not stated): gnomAD exomes 0.00032; ExAC 0.00038; TOPMed 0.00042; 1000 Genomes Project 30x 0.00047; 1000 Genomes Project 0.00060; ESP Exome Variant Server 0.00062.
gnomAD v4.1: 271 of 1,391,050 alleles (0.019%); highest among the groups gnomAD compares: South Asian, 0.15%; 3 homozygotes.

Submissions (2):

Labcorp Genetics (formerly Invitae), Labcorp
Classification: Benign. Last evaluated: 2026-01-19. Review status: criteria provided, single submitter. Criteria: Invitae Variant Classification Sherloc (09022015). Collection method: clinical testing. Allele origin: germline.

GeneDx
Classification: Likely benign. Last evaluated: 2017-05-02. Review status: criteria provided, single submitter. Criteria: GeneDx Variant Classification (06012015). Collection method: clinical testing. Allele origin: germline. Affected: yes.
Comment: This variant is considered likely benign or benign based on one or more of the following criteria: it is a conservative change, it occurs at a poorly conserved position in the protein, it is predicted to be benign by multiple in silico algorithms, and/or has population frequency not consistent with disease.